The following is an entry in ClinVar:

NM_000030.3(AGXT):c.534C>G (p.Cys178Trp)

Gene: AGXT (alanine--glyoxylate aminotransferase; plus strand). Cytogenetic location: 2q37.3.
Variant type: single nucleotide variant.
Coding change: c.534C>G on transcript NM_000030.3 (MANE Select); coding-DNA position 534, C replaced by G.
Protein change: p.Cys178Trp; replaces cysteine 178 with tryptophan.
Molecular consequence: missense variant.
Genome position (GRCh38, 1-based): chr2:240,872,988, C>G. VCF-style: chr2-240872988-C-G. GRCh37 (hg19) VCF-style: chr2-241812405-C-G.
Other names: short protein forms C178W.
Identifiers: ClinVar variation 973192 (VCV000973192.3), dbSNP rs1400552764, ClinGen allele CA351316515.
Genomic context (GRCh38, chr2:240,872,988, plus strand): 5'-GTGGCCCCCTGCCTCACCTGCTGCCCTCCATTCTGTCCCCCACCTCTCCAGGTACAAGTG[C>G]CTGCTCCTGGTGGATTCGGTGGCATCCCTGGGCGGGACCCCCCTTTACATGGACCGGCAA-3'
Protein context (NP_000021.1, residues 168-188): GFGELCHRYK[Cys178Trp]LLLVDSVASL

ClinVar aggregate classification (germline): Likely pathogenic (1 of 4 stars; one submission).

Conditions:
Primary hyperoxaluria, type I (HP1). Also called: Primary hyperoxaluria type 1; HEPATIC AGT DEFICIENCY; OXALOSIS I; GLYCOLIC ACIDURIA. Identifiers: Orphanet 416, Orphanet 93598, MedGen C0268164, MONDO:0009823, OMIM 259900. Disease mechanism: loss of function.

Submission:

Molecular Medicine Center, Medical University of Sofia
Classification: Likely pathogenic for Primary hyperoxaluria, type I. Last evaluated: 2020-07-02. Review status: criteria provided, single submitter. Criteria: ACMG Guidelines, 2015. Collection method: clinical testing. Allele origin: maternal. Inheritance: Autosomal recessive inheritance. Affected: yes. Observed: 1 compound heterozygote.